The following is an entry in ClinVar:

ClinVar aggregate classification (germline): Likely benign. Review status: criteria provided, multiple submitters, no conflicts (2 of 4 stars). 3 submissions from 3 submitters: Likely benign (2). 1 of the submissions does not count toward it. Last evaluated 2025-11-19.

Conditions:
BBS7-related disorder. Also called: BBS7-related condition.
Bardet-Biedl syndrome 7 (BBS7). Identifiers: Orphanet 110, MedGen C1859565, MONDO:0014435, OMIM 615984.
Bardet-Biedl syndrome (BBS). Identifiers: Orphanet 110, MedGen C0752166, MONDO:0015229.

Allele frequency attached by ClinVar (database versions not stated): gnomAD 0.00001 and 0.00002; TOPMed 0.00006.
gnomAD v4.1: 4 of 1,608,994 alleles (0.00025%); highest among the groups gnomAD compares: Admixed American, 0.0017%; no homozygotes.

Submissions (3):

Labcorp Genetics (formerly Invitae), Labcorp
Classification: Likely benign for Bardet-Biedl syndrome. Last evaluated: 2025-11-19. Review status: criteria provided, single submitter. Criteria: Invitae Variant Classification Sherloc (09022015). Collection method: clinical testing. Allele origin: germline.

Fulgent Genetics
Classification: Likely benign for Bardet-Biedl syndrome 7. Last evaluated: 2021-12-23. Review status: criteria provided, single submitter. Criteria: ACMG Guidelines, 2015. Collection method: clinical testing. Allele origin: unknown.

PreventionGenetics, part of Exact Sciences
Classification: Likely benign for BBS7-related condition. Last evaluated: 2022-02-11. Review status: no assertion criteria provided. Collection method: clinical testing. Allele origin: germline. Not counted in ClinVar's aggregate classification.
Comment: This variant is classified as likely benign based on ACMG/AMP sequence variant interpretation guidelines (Richards et al. 2015 PMID: 25741868, with internal and published modifications).

NM_176824.3(BBS7):c.1755A>G (p.Thr585=)

Gene: BBS7 (Bardet-Biedl syndrome 7; minus strand). Cytogenetic location: 4q27.
Variant type: single nucleotide variant.
Coding change: c.1755A>G on transcript NM_176824.3 (MANE Select); coding-DNA position 1755, A replaced by G.
Protein change: p.Thr585=; no amino-acid change (threonine 585 retained).
Molecular consequence: synonymous variant.
Genome position (GRCh38, 1-based): chr4:121,828,650, T>C on the plus strand (A>G on the coding strand, the complement: BBS7 is on the minus strand). VCF-style: chr4-121828650-T-C. GRCh37 (hg19) VCF-style: chr4-122749805-T-C.
Other names: c.1755A>G, p.Thr585= (NM_018190.4); c.1755A>G (NM_176824.2).
Identifiers: ClinVar variation 1549795 (VCV001549795.10), dbSNP rs1725022392, ClinGen allele CA440919092.